The following is an entry in ClinVar:

NM_001199397.3(NEK1):c.192C>T (p.Val64=)

Gene: NEK1 (NIMA related kinase 1; minus strand). Cytogenetic location: 4q33.
Variant type: single nucleotide variant.
Coding change: c.192C>T on transcript NM_001199397.3 (MANE Select); coding-DNA position 192, C replaced by T.
Protein change: p.Val64=; no amino-acid change (valine 64 retained).
Molecular consequence: synonymous variant. On other transcripts: non-coding transcript variant (2).
Genome position (GRCh38, 1-based): chr4:169,602,030, G>A on the plus strand (C>T on the coding strand, the complement: NEK1 is on the minus strand). VCF-style: chr4-169602030-G-A. GRCh37 (hg19) VCF-style: chr4-170523181-G-A.
Other names: c.192C>T (NM_012224.2); c.192C>T, p.Val64= (NM_001199398.3, NM_001199399.3, NM_001199400.3 and 7 more transcripts).
Identifiers: ClinVar variation 1594027 (VCV001594027.10), dbSNP rs777436964, ClinGen allele CA3138095.

ClinVar aggregate classification (germline): Likely benign. Review status: criteria provided, single submitter (1 of 4 stars). 2 submissions from 2 submitters: Likely benign (1). 1 of the submissions does not count toward it. Last evaluated 2026-01-19.

Conditions:
NEK1-related disorder. Also called: NEK1-related condition.
Short-rib thoracic dysplasia 6 with or without polydactyly (SRTD6). Also called: SHORT RIB-POLYDACTYLY SYNDROME, TYPE IIA; POLYDACTYLY WITH NEONATAL CHONDRODYSTROPHY, TYPE II; Majewski Syndrome; SHORT-RIB THORACIC DYSPLASIA 6 WITH POLYDACTYLY; SHORT-RIB THORACIC DYSPLASIA 6 WITHOUT POLYDACTYLY. Identifiers: MedGen C0024507, MONDO:0009894, OMIM 263520.

Allele frequency attached by ClinVar (database versions not stated): ExAC 0.00001; gnomAD 0.00001; TOPMed 0.00002; gnomAD exomes 0.00003.
gnomAD v4.1: 11 of 1,611,606 alleles (0.00068%); highest among the groups gnomAD compares: Admixed American, 0.017%; no homozygotes.

Submissions (2):

Labcorp Genetics (formerly Invitae), Labcorp
Classification: Likely benign for Short-rib thoracic dysplasia 6 with or without polydactyly. Last evaluated: 2026-01-19. Review status: criteria provided, single submitter. Criteria: Invitae Variant Classification Sherloc (09022015). Collection method: clinical testing. Allele origin: germline.

PreventionGenetics, part of Exact Sciences
Classification: Likely benign for NEK1-related condition. Last evaluated: 2019-06-24. Review status: no assertion criteria provided. Collection method: clinical testing. Allele origin: germline. Not counted in ClinVar's aggregate classification.
Comment: This variant is classified as likely benign based on ACMG/AMP sequence variant interpretation guidelines (Richards et al. 2015 PMID: 25741868, with internal and published modifications).